The following is an entry in ClinVar:

ClinVar aggregate classification (germline): Pathogenic (1 of 4 stars; one submission).

Conditions:
Hereditary cancer-predisposing syndrome. Also called: Hereditary Cancer Syndrome; Hereditary neoplastic syndrome; Neoplastic Syndromes, Hereditary; Tumor predisposition. Identifiers: Orphanet 140162, MedGen C0027672, MeSH D009386, MONDO:0015356.

Submission:

Ambry Genetics
Classification: Pathogenic for Hereditary cancer-predisposing syndrome. Last evaluated: 2020-01-03. Review status: criteria provided, single submitter. Criteria: Ambry Variant Classification Scheme 2023. Collection method: clinical testing. Allele origin: germline.
Comment: The c.463_464delGA pathogenic mutation, located in coding exon 4 of the CDH1 gene, results from a deletion of two nucleotides at nucleotide positions 463 to 464, causing a translational frameshift with a predicted alternate stop codon (p.D155Lfs*12). This alteration is expected to result in loss of function by premature protein truncation or nonsense-mediated mRNA decay. As such, this alteration is interpreted as a disease-causing mutation.

NM_004360.5(CDH1):c.463_464del (p.Asp155fs)

Gene: CDH1 (cadherin 1; plus strand). Cytogenetic location: 16q22.1.
Variant type: Microsatellite.
Coding change: c.463_464del on transcript NM_004360.5 (MANE Select); coding-DNA positions 463 to 464, 2 bases deleted (GA; older notation c.463_464delGA).
Protein change: p.Asp155fs; shifts the reading frame from aspartic acid 155.
Molecular consequence: frameshift variant. On other transcripts: 5 prime UTR variant (2).
Genome position (GRCh38, 1-based): chr16:68,808,499-68,808,500, GA deleted; deleting any 2 consecutive bases within chr16:68,808,494-68,808,500 gives the same sequence; the c. name uses the placement nearest the transcript's 3' end. VCF-style (leftmost placement, unchanged base first): chr16-68808493-AAG-A. GRCh37 (hg19) VCF-style: chr16-68842396-AAG-A.
Other names: c.463_464del, p.Asp155fs (NM_001317184.2); c.-1157GA[2] (NM_001317185.2); c.-1361GA[2] (NM_001317186.2); c.459_460GA[2], p.Asp155Leufs (NM_004360.3); c.463_464delGA (NM_004360.3); short protein forms D155fs.
Identifiers: ClinVar variation 1742037 (VCV001742037.2), dbSNP rs2543914681, ClinGen allele CA2580612846.